The following is an entry in ClinVar:

NM_013275.6(ANKRD11):c.3394G>C (p.Gly1132Arg)

Gene: ANKRD11 (ankyrin repeat domain 11; minus strand). Cytogenetic location: 16q24.3.
Variant type: single nucleotide variant.
Coding change: c.3394G>C on transcript NM_013275.6 (MANE Select); coding-DNA position 3394, G replaced by C.
Protein change: p.Gly1132Arg; replaces glycine 1132 with arginine.
Molecular consequence: missense variant.
Genome position (GRCh38, 1-based): chr16:89,283,148, C>G on the plus strand (G>C on the coding strand, the complement: ANKRD11 is on the minus strand). VCF-style: chr16-89283148-C-G. GRCh37 (hg19) VCF-style: chr16-89349556-C-G.
Other names: c.3394G>C, p.Gly1132Arg (NM_001256182.2, NM_001256183.2); short protein forms G1132R.
Identifiers: ClinVar variation 4802803 (VCV004802803.1).
Genomic context (GRCh38, chr16:89,283,148, plus strand): 5'-TCTCCTGGAGGCCGTCCGTCCTCGGCAAGTCGCTGGCCTCTCCCATCTTGAACCCGCTCC[C>G]CATGCAGCTGTCTCTGTCGTCCTCACTCTCATCTGTGAAGATGTCTGCGATGTACCAGCT-3'
Protein context (NP_037407.4, residues 1122-1142): ESEDDRDSCM[Gly1132Arg]SGFKMGEASD

ClinVar aggregate classification (germline): Uncertain significance (1 of 4 stars; one submission).

Conditions:
KBG syndrome (KBGS). Also called: ANKRD11-Related KBG Syndrome. Identifiers: Orphanet 2332, MedGen C0220687, MONDO:0007846, OMIM 148050.

Submission:

Labcorp Genetics (formerly Invitae), Labcorp
Classification: Uncertain significance for KBG syndrome. Last evaluated: 2025-05-20. Review status: criteria provided, single submitter. Criteria: Invitae Variant Classification Sherloc (09022015). Collection method: clinical testing. Allele origin: germline.
Comment: This sequence change replaces glycine, which is neutral and non-polar, with arginine, which is basic and polar, at codon 1132 of the ANKRD11 protein (p.Gly1132Arg). This variant is not present in population databases (gnomAD no frequency). This variant has not been reported in the literature in individuals affected with ANKRD11-related conditions. Invitae Evidence Modeling of protein sequence and biophysical properties (such as structural, functional, and spatial information, amino acid conservation, physicochemical variation, residue mobility, and thermodynamic stability) indicates that this missense variant is not expected to disrupt ANKRD11 protein function with a negative predictive value of 95%. In summary, the available evidence is currently insufficient to determine the role of this variant in disease. Therefore, it has been classified as a Variant of Uncertain Significance.